The following is an entry in ClinVar:

ClinVar aggregate classification (germline): Pathogenic (1 of 4 stars; one submission).

Conditions:
Bainbridge-Ropers syndrome. Also called: Severe feeding difficulties-failure to thrive-microcephaly due to ASXL3 deficiency syndrome. Identifiers: Orphanet 352577, MedGen C4750837, MONDO:0014205, OMIM 615485.

Submission:

3billion
Classification: Pathogenic for Bainbridge-Ropers syndrome. Last evaluated: 2021-10-02. Review status: criteria provided, single submitter. Criteria: ACMG Guidelines, 2015. Collection method: clinical testing. Allele origin: germline. Affected: yes. Observed: 1 heterozygote.
Comment: Stop-gained (nonsense): predicted to result in a loss or disruption of normal protein function through nonsense-mediated decay (NMD) or protein truncation. Multiple pathogenic variants are reported downstream of the variant (PVS1_VS). The variant was observed as assumed (i.e. paternity and maternity not confirmed) de novoo (3billion dataset, PM6). It is not observed in the gnomAD v2.1.1 dataset (PM2). Therefore, this variant is classified as pathogenic according to the recommendation of ACMG/AMP guideline.

NM_030632.3(ASXL3):c.1269C>A (p.Cys423Ter)

Gene: ASXL3 (ASXL transcriptional regulator 3; plus strand). Cytogenetic location: 18q12.1.
Variant type: single nucleotide variant.
Coding change: c.1269C>A on transcript NM_030632.3 (MANE Select); coding-DNA position 1269, C replaced by A.
Protein change: p.Cys423Ter; replaces cysteine 423 with a stop codon.
Molecular consequence: nonsense.
Genome position (GRCh38, 1-based): chr18:33,738,673, C>A. VCF-style: chr18-33738673-C-A. GRCh37 (hg19) VCF-style: chr18-31318637-C-A.
Other names: short protein forms C423*.
Identifiers: ClinVar variation 1320104 (VCV001320104.1), dbSNP rs2145411718, ClinGen allele CA402174930.
Genomic context (GRCh38, chr18:33,738,673, plus strand): 5'-ACAGCCAAAAAGCATGAAAAGCCCAGCTTCTCCAGAGCCTGGTTTCTGTGCTACTCTTTG[C>A]CCTATGGTAGAAATTCCACCTAAAGATATAATGGCAGAATTGGAGTCAGAGGATATCTTG-3'